The following is an entry in ClinVar:

NM_005461.5(MAFB):c.745C>A (p.Arg249=)

Gene: MAFB (MAF bZIP transcription factor B; minus strand). Cytogenetic location: 20q12.
Variant type: single nucleotide variant.
Coding change: c.745C>A on transcript NM_005461.5 (MANE Select); coding-DNA position 745, C replaced by A.
Protein change: p.Arg249=; no amino-acid change (arginine 249 retained).
Molecular consequence: synonymous variant.
Genome position (GRCh38, 1-based): chr20:40,688,106, G>T on the plus strand (C>A on the coding strand, the complement: MAFB is on the minus strand). VCF-style: chr20-40688106-G-T. GRCh37 (hg19) VCF-style: chr20-39316746-G-T.
Identifiers: ClinVar variation 338408 (VCV000338408.14), dbSNP rs561320614, ClinGen allele CA9857754.
Genomic context (GRCh38, chr20:40,688,106, plus strand): 5'-CATTCTCCAGGTGGTGCTTCTGCTGGACGCGTTTATACCTGCAAGACTGGGCGTAGCCCC[G>T]GTTCTTCAGGGTCCGCCGCTTCTGCTTCAGGCGGATCACCTCGTCCTTGGTGAAGCCCCG-3'
Protein context (NP_005452.2, residues 239-259): LKQKRRTLKN[Arg249=]GYAQSCRYKR

ClinVar aggregate classification (germline): Benign. Review status: criteria provided, multiple submitters, no conflicts (2 of 4 stars). 2 submissions from 2 submitters: Benign (2). Last evaluated 2026-01-06.

Conditions:
Multicentric carpo-tarsal osteolysis with or without nephropathy. Also called: MULTICENTRIC OSTEOLYSIS, AUTOSOMAL DOMINANT; Multicentric Carpotarsal Osteolysis with or without Nephropathy; Multicentric Osteolysis of Carpal Bones and Nephropathy; OSTEOLYSIS, HEREDITARY, OF CARPAL BONES WITH OR WITHOUT NEPHROPATHY; MULTICENTRIC CARPOTARSAL OSTEOLYSIS SYNDROME; Carnevale Canun Mendoza syndrome. Identifiers: Orphanet 2774, MedGen C2674705, MONDO:0008152, OMIM 166300.

Allele frequency attached by ClinVar (database versions not stated): gnomAD 0.00006 and 0.00007; TOPMed 0.00008; ExAC 0.00014; gnomAD exomes 0.00016; 1000 Genomes Project 0.00040; 1000 Genomes Project 30x 0.00047.
gnomAD v4.1: 74 of 1,613,720 alleles (0.0046%); highest among the groups gnomAD compares: East Asian, 0.091%; 2 homozygotes.

Submissions (2):

Labcorp Genetics (formerly Invitae), Labcorp
Classification: Benign. Last evaluated: 2026-01-06. Review status: criteria provided, single submitter. Criteria: Invitae Variant Classification Sherloc (09022015). Collection method: clinical testing. Allele origin: germline.

Illumina Laboratory Services, Illumina
Classification: Benign for Multicentric carpo-tarsal osteolysis with or without nephropathy. Last evaluated: 2018-01-12. Review status: criteria provided, single submitter. Criteria: ICSL Variant Classification Criteria 13 December 2019. Collection method: clinical testing. Allele origin: germline.
Comment: This variant was observed in the ICSL laboratory as part of a predisposition screen in an ostensibly healthy population. It had not been previously curated by ICSL or reported in the Human Gene Mutation Database (HGMD: prior to June 1st, 2018), and was therefore a candidate for classification through an automated scoring system. Utilizing variant allele frequency, disease prevalence and penetrance estimates, and inheritance mode, an automated score was calculated to assess if this variant is too frequent to cause the disease. Based on the score and internal cut-off values, a variant classified as benign is not then subjected to further curation. The score for this variant resulted in a classification of benign for this disease.